The following is an entry in ClinVar:

ClinVar aggregate classification (germline): Uncertain significance (1 of 4 stars; one submission).

Allele frequency attached by ClinVar (database versions not stated): gnomAD exomes below 0.00001; ExAC 0.00001; gnomAD 0.00001; TOPMed 0.00001; ESP Exome Variant Server 0.00008.
gnomAD v4.1: 6 of 1,614,084 alleles (0.00037%); highest among the groups gnomAD compares: African/African-American, 0.004%; no homozygotes.

Submission:

Labcorp Genetics (formerly Invitae), Labcorp
Classification: Uncertain significance. Last evaluated: 2022-07-20. Review status: criteria provided, single submitter. Criteria: Invitae Variant Classification Sherloc (09022015). Collection method: clinical testing. Allele origin: germline.
Comment: In summary, the available evidence is currently insufficient to determine the role of this variant in disease. Therefore, it has been classified as a Variant of Uncertain Significance. Algorithms developed to predict the effect of sequence changes on RNA splicing suggest that this variant may disrupt the consensus splice site. Algorithms developed to predict the effect of missense changes on protein structure and function are either unavailable or do not agree on the potential impact of this missense change (SIFT: "Deleterious"; PolyPhen-2: "Possibly Damaging"; Align-GVGD: "Class C0"). This variant has not been reported in the literature in individuals affected with UPB1-related conditions. This variant is not present in population databases (gnomAD no frequency). This sequence change replaces glutamic acid, which is acidic and polar, with glycine, which is neutral and non-polar, at codon 64 of the UPB1 protein (p.Glu64Gly).

NM_016327.3(UPB1):c.191A>G (p.Glu64Gly)

Gene: UPB1 (beta-ureidopropionase 1; plus strand). Cytogenetic location: 22q11.23.
Variant type: single nucleotide variant.
Coding change: c.191A>G on transcript NM_016327.3 (MANE Select); coding-DNA position 191, A replaced by G.
Protein change: p.Glu64Gly; replaces glutamic acid 64 with glycine.
Molecular consequence: missense variant.
Genome position (GRCh38, 1-based): chr22:24,500,193, A>G. VCF-style: chr22-24500193-A-G. GRCh37 (hg19) VCF-style: chr22-24896161-A-G.
Other names: short protein forms E64G.
Identifiers: ClinVar variation 1905748 (VCV001905748.5), dbSNP rs148225767, ClinGen allele CA10153035.